The following is an entry in ClinVar:

NM_012243.3(SLC35A3):c.44T>C (p.Phe15Ser)

Gene: SLC35A3 (solute carrier family 35 member A3; plus strand). Cytogenetic location: 1p21.2.
Variant type: single nucleotide variant.
Coding change: c.44T>C on transcript NM_012243.3 (MANE Select); coding-DNA position 44, T replaced by C.
Protein change: p.Phe15Ser; replaces phenylalanine 15 with serine.
Molecular consequence: missense variant.
Genome position (GRCh38, 1-based): chr1:99,993,598, T>C. VCF-style: chr1-99993598-T-C. GRCh37 (hg19) VCF-style: chr1-100459154-T-C.
Other names: c.44T>C, p.Phe15Ser (NM_001271684.2); c.170T>C, p.Phe57Ser (NM_001271685.2); short protein forms F15S, F57S.
Identifiers: ClinVar variation 839178 (VCV000839178.4), dbSNP rs951750313, ClinGen allele CA27538585.
Genomic context (GRCh38, chr1:99,993,598, plus strand): 5'-CAAATGAAGATAAAACAATGTTCGCCAACCTAAAATACGTTTCCCTGGGAATTTTGGTCT[T>C]TCAGACTACCAGTTTGGTTCTAACAATGCGTTATTCCAGAACTTTAAAAGAAGAAGGACC-3'
Protein context (NP_036375.1, residues 5-25): LKYVSLGILV[Phe15Ser]QTTSLVLTMR

ClinVar aggregate classification (germline): Uncertain significance (1 of 4 stars; one submission).

Conditions:
Autism spectrum disorder - epilepsy - arthrogryposis syndrome (AMRS). Identifiers: Orphanet 370943, MedGen C3809910, MONDO:0014248, OMIM 615553.

Allele frequency attached by ClinVar (database versions not stated): gnomAD 0.00001; TOPMed 0.00002.
gnomAD v4.1: 1 of 1,613,960 alleles (0.000062%); highest among the groups gnomAD compares: African/African-American, 0.0013%; no homozygotes.

Submission:

Labcorp Genetics (formerly Invitae), Labcorp
Classification: Uncertain significance for Autism spectrum disorder - epilepsy - arthrogryposis syndrome. Last evaluated: 2022-02-04. Review status: criteria provided, single submitter. Criteria: Invitae Variant Classification Sherloc (09022015). Collection method: clinical testing. Allele origin: germline.
Comment: This sequence change replaces phenylalanine, which is neutral and non-polar, with serine, which is neutral and polar, at codon 15 of the SLC35A3 protein (p.Phe15Ser). This variant is not present in population databases (gnomAD no frequency). This variant has not been reported in the literature in individuals affected with SLC35A3-related conditions. ClinVar contains an entry for this variant (Variation ID: 839178). Algorithms developed to predict the effect of missense changes on protein structure and function are either unavailable or do not agree on the potential impact of this missense change (SIFT: "Deleterious"; PolyPhen-2: "Benign"; Align-GVGD: "Class C0"). In summary, the available evidence is currently insufficient to determine the role of this variant in disease. Therefore, it has been classified as a Variant of Uncertain Significance.